The following is an entry in ClinVar:

NM_001366521.1(ATP2B1):c.1409C>T (p.Thr470Ile)

Gene: ATP2B1 (ATPase plasma membrane Ca2+ transporting 1; minus strand). Cytogenetic location: 12q21.33.
Variant type: single nucleotide variant.
Coding change: c.1409C>T on transcript NM_001366521.1 (MANE Select); coding-DNA position 1409, C replaced by T.
Protein change: p.Thr470Ile; replaces threonine 470 with isoleucine.
Molecular consequence: missense variant. On other transcripts: non-coding transcript variant (3), intron variant (1).
Genome position (GRCh38, 1-based): chr12:89,621,727, G>A on the plus strand (C>T on the coding strand, the complement: ATP2B1 is on the minus strand). VCF-style: chr12-89621727-G-A. GRCh37 (hg19) VCF-style: chr12-90015504-G-A.
Other names: c.1370C>T, p.Thr457Ile (NM_001413048.1); c.1409C>T, p.Thr470Ile (NM_001413049.1, NM_001413050.1, NM_001001323.2 and 12 more transcripts); c.1268C>T, p.Thr423Ile (NM_001413051.1, NM_001413052.1, NM_001413055.1); c.1211C>T, p.Thr404Ile (NM_001413053.1, NM_001366530.1); c.1154C>T, p.Thr385Ile (NM_001413056.1); c.956C>T, p.Thr319Ile (NM_001413057.1); c.848C>T, p.Thr283Ile (NM_001413058.1, NM_001366531.1, NM_001366532.1 and 2 more transcripts); c.1345-1487C>T (NM_001413054.1); short protein forms T283I, T319I, T385I, T404I, T423I, T457I, T470I.
Identifiers: ClinVar variation 3774191 (VCV003774191.2).

ClinVar aggregate classification (germline): Uncertain significance (1 of 4 stars; one submission).

Submission:

GeneDx
Classification: Uncertain significance. Last evaluated: 2026-07-05. Review status: criteria provided, single submitter. Criteria: GeneDx Variant Classification Process June 2021. Collection method: clinical testing. Allele origin: germline.
Comment: Not observed at significant frequency in large population cohorts (gnomAD); In silico analysis supports that this missense variant has a deleterious effect on protein structure/function; Has not been previously published as pathogenic or benign to our knowledge